The following is an entry in ClinVar:

NM_001009944.3(PKD1):c.2136T>C (p.Gly712=)

Gene: PKD1 (polycystin 1, transient receptor potential channel interacting; minus strand). Cytogenetic location: 16p13.3.
Variant type: single nucleotide variant.
Coding change: c.2136T>C on transcript NM_001009944.3 (MANE Select); coding-DNA position 2136, T replaced by C.
Protein change: p.Gly712=; no amino-acid change (glycine 712 retained).
Molecular consequence: synonymous variant.
Genome position (GRCh38, 1-based): chr16:2,114,887, A>G on the plus strand (T>C on the coding strand, the complement: PKD1 is on the minus strand). VCF-style: chr16-2114887-A-G. GRCh37 (hg19) VCF-style: chr16-2164888-A-G.
Other names: c.2136T>C, p.Gly712= (NM_000296.4).
Identifiers: ClinVar variation 997375 (VCV000997375.3), dbSNP rs565591302, ClinGen allele CA276782881.

ClinVar aggregate classification (germline): Likely benign. Review status: criteria provided, multiple submitters, no conflicts (2 of 4 stars). 3 submissions from 3 submitters: Likely benign (2). 1 of the submissions does not count toward it. Last evaluated 2024-06-10.

Conditions:
Polycystic kidney disease. Also called: Polycystic kidney dysplasia; Kidney, Polycystic. Identifiers: MedGen C0022680, MeSH D007690, MONDO:0020642, HP:0000113.

Allele frequency attached by ClinVar (database versions not stated): TOPMed below 0.00001; 1000 Genomes Project 30x 0.00016; 1000 Genomes Project 0.00020.

Submissions (3):

Women's Health and Genetics/Laboratory Corporation of America, LabCorp
Classification: Likely benign. Last evaluated: 2024-06-10. Review status: criteria provided, single submitter. Criteria: LabCorp Variant Classification Summary - May 2015. Collection method: clinical testing. Allele origin: germline.

Breakthrough Genomics
Classification: Likely benign. Review status: criteria provided, single submitter. Criteria: ACMG Guidelines, 2015. Collection method: not provided. Allele origin: germline. Inheritance: Autosomal dominant inheritance. Affected: yes.

Department of Pathology and Laboratory Medicine, Sinai Health System
Classification: Likely benign for Polycystic Kidney disease. Review status: no assertion criteria provided. Collection method: clinical testing. Allele origin: unknown. Affected: yes. Study: The Canadian Open Genetics Repository (COGR). Not counted in ClinVar's aggregate classification.
Comment: The PKD1 p.Gly712= variant was not identified in the literature nor was it identified in the ClinVar, LOVD 3.0, ADPKD Mutation Database, or PKD1-LOVD databases. The variant was also identified in dbSNP (ID: rs565591302) with no classification. The variant was not identified in the following control databases: the Exome Aggregation Consortium (August 8th 2016), or the Genome Aggregation Database (Feb 27, 2017). The p.Gly712= variant is not expected to have clinical significance because it does not result in a change of amino acid and is not located in a known consensus splice site. In addition, in silico or computational prediction software programs (SpliceSiteFinder, MaxEntScan, NNSPLICE, GeneSplicer) do not predict a difference in splicing. The variant was identified in our laboratory with a co-occurring pathogenic PKD1 variant (p.Arg1436*), increasing the likelihood that the p.Gly712= variant does not have clinical significance. In summary, based on the above information the clinical significance of this variant cannot be determined with certainty at this time although we would lean towards a more benign role for this variant. This variant is classified as likely benign.